The following is an entry in ClinVar:

NM_012309.5(SHANK2):c.406del (p.Leu136fs)

Gene: SHANK2 (SH3 and multiple ankyrin repeat domains 2; minus strand). Cytogenetic location: 11q13.4.
Variant type: Deletion.
Coding change: c.406del on transcript NM_012309.5 (MANE Select); coding-DNA position 406, one base deleted (C; older notation c.406delC).
Protein change: p.Leu136fs; shifts the reading frame from leucine 136.
Molecular consequence: frameshift variant.
Genome position (GRCh38, 1-based): chr11:71,118,834, G deleted on the plus strand (C on the coding strand, the reverse complement: SHANK2 is on the minus strand); the first of 3 consecutive G bases (chr11:71,118,834-71,118,836); deleting any one gives the same sequence. VCF-style (leftmost placement, unchanged base first): chr11-71118833-AG-A. GRCh37 (hg19) VCF-style: chr11-70829879-AG-A.
Other names: short protein forms L136fs.
Identifiers: ClinVar variation 817243 (VCV000817243.1), dbSNP rs1590930234, ClinGen allele CA915946662.

ClinVar aggregate classification (germline): Likely pathogenic (1 of 4 stars; one submission).

Submission:

GeneDx
Classification: Likely pathogenic. Last evaluated: 2018-09-20. Review status: criteria provided, single submitter. Criteria: GeneDx Variant Classification (06012015). Collection method: clinical testing. Allele origin: germline. Affected: yes.
Comment: The c.406delC variant in the SHANK2 gene has not been reported previously as a pathogenic variant nor as a benign variant, to our knowledge. The c.406delC variant causes a frameshift starting with codon Leucine 136, changes this amino acid to a Tryptophan residue, and creates a premature Stop codon at position 29 of the new reading frame, denoted p.Leu136TrpfsX29. This variant is predicted to cause loss of normal protein function either through protein truncation or nonsense-mediated mRNA decay. The c.406delC variant is not observed in large population cohorts (Lek et al., 2016). We interpret c.406delC as a likely pathogenic variant.